The following is an entry in ClinVar:

NM_000059.4(BRCA2):c.9257-8C>T

Gene: BRCA2 (BRCA2 DNA repair associated; plus strand). Cytogenetic location: 13q13.1.
Variant type: single nucleotide variant.
Coding change: c.9257-8C>T on transcript NM_000059.4 (MANE Select); 8 bases into the intron before coding-DNA position 9257, C replaced by T.
Molecular consequence: intron variant.
Genome position (GRCh38, 1-based): chr13:32,394,681, C>T. VCF-style: chr13-32394681-C-T. GRCh37 (hg19) VCF-style: chr13-32968818-C-T.
Other names: p.?; IVS24-8C>T.
Identifiers: ClinVar variation 91521 (VCV000091521.34), dbSNP rs11571819, ClinGen allele CA026068.

ClinVar aggregate classification (germline): Conflicting classifications of pathogenicity. Review status: criteria provided, conflicting classifications (1 of 4 stars). 15 submissions from 15 submitters: Uncertain significance (2); Benign (2); Likely benign (10). 1 of the submissions does not count toward it. Last evaluated 2025-12-09.

Conditions:
Breast and/or ovarian cancer. Identifiers: MedGen CN221562.
Breast-ovarian cancer, familial, susceptibility to, 2 (BROVCA2). Also called: BRCA2 Hereditary Breast and Ovarian Cancer. Identifiers: Orphanet 145, MedGen C2675520, MONDO:0012933, OMIM 612555. Disease mechanism: loss of function.
BRCA2-related disorder. Also called: BRCA2-related condition; BRCA2-related disorders. Identifiers: MedGen CN239275.
Hereditary breast ovarian cancer syndrome. Also called: Hereditary breast and ovarian cancer syndrome; Breast and ovarian cancer; BRCA1- and BRCA2-Associated Hereditary Breast and Ovarian Cancer; Hereditary breast and ovarian cancer syndrome (HBOC); Hereditary breast and ovarian cancer; Hereditary breast and/or ovarian cancer syndrome. Identifiers: Orphanet 145, MedGen C0677776, MeSH D061325, MONDO:0003582. Disease mechanism: loss of function.
Fanconi anemia complementation group D1. Also called: BRCA2-Related Fanconi Anemia. Identifiers: Orphanet 319462, MedGen C1838457, MONDO:0011584, OMIM 605724.
Familial cancer of breast. Also called: BREAST CANCER, FAMILIAL; hereditary breast carcinoma; Hereditary breast cancer. Identifiers: Orphanet 227535, MedGen C0346153, MONDO:0016419, OMIM 114480. Disease mechanism: loss of function.
Medulloblastoma (MDB). Also called: Medulloblastoma, somatic; MEDULLOBLASTOMA PREDISPOSITION SYNDROME. Identifiers: Orphanet 616, MedGen C0025149, MeSH D008527, MONDO:0007959, OMIM 155255, HP:0002885.
Pancreatic cancer, susceptibility to, 2. Identifiers: Orphanet 1333, MedGen C3150546, MONDO:0013235, OMIM 613347.
Glioma susceptibility 3 (GLM3). Also called: Glioblastoma 3. Identifiers: Orphanet 182067, Orphanet 360, MedGen C2751641, MONDO:0013093, OMIM 613029.
Familial prostate cancer. Also called: Hereditary Prostate Cancer. Identifiers: MedGen C2931456, MONDO:0700275, OMIM 176807.
Wilms tumor 1 (WT1). Also called: Wilms tumor, somatic. Identifiers: Orphanet 654, MedGen CN033288, MONDO:0008679, OMIM 194070.
Hereditary cancer-predisposing syndrome. Also called: Hereditary neoplastic syndrome; Hereditary Cancer Syndrome; Neoplastic Syndromes, Hereditary; Tumor predisposition. Identifiers: Orphanet 140162, MedGen C0027672, MeSH D009386, MONDO:0015356.

Allele frequency attached by ClinVar (database versions not stated): ExAC 0.00001; gnomAD exomes 0.00001.

Submissions (15):

Labcorp Genetics (formerly Invitae), Labcorp
Classification: Likely benign for Hereditary breast ovarian cancer syndrome. Last evaluated: 2025-12-09. Review status: criteria provided, single submitter. Criteria: Invitae Variant Classification Sherloc (09022015). Collection method: clinical testing. Allele origin: germline.

PreventionGenetics, part of Exact Sciences
Classification: Likely benign for BRCA2-related condition. Last evaluated: 2025-05-21. Review status: criteria provided, single submitter. Criteria: ACMG Guidelines, 2015. Collection method: clinical testing. Allele origin: germline.
Comment: This variant is classified as likely benign based on ACMG/AMP sequence variant interpretation guidelines (Richards et al. 2015 PMID: 25741868, with internal and published modifications).

Center for Genomic Medicine, Rigshospitalet, Copenhagen University Hospital
Classification: Likely benign. Last evaluated: 2025-03-04. Review status: criteria provided, single submitter. Criteria: ACMG Guidelines, 2015. Collection method: clinical testing. Allele origin: germline.

Mayo Clinic Laboratories, Mayo Clinic
Classification: Uncertain significance. Last evaluated: 2025-01-18. Review status: criteria provided, single submitter. Criteria: ACMG Guidelines, 2015. Collection method: clinical testing. Allele origin: germline. Observed: 1 variant allele.
Comment: BP4

Blueprint Genetics
Classification: Likely benign. Last evaluated: 2024-11-27. Review status: criteria provided, single submitter. Criteria: ACMG Guidelines, 2015. Collection method: clinical testing. Allele origin: germline.

All of Us Research Program, National Institutes of Health
Classification: Likely benign for Breast-ovarian cancer, familial, susceptibility to, 2. Last evaluated: 2023-06-26. Review status: criteria provided, single submitter. Criteria: ACMG Guidelines, 2015. Collection method: clinical testing. Allele origin: germline. Inheritance: Autosomal dominant inheritance. Observed: 1 variant allele, 1 heterozygote.
Comment: This study involves interpretation of variants in research participants for the purpose of population health screening. Participant phenotype was not available at the time of variant classification. Additional details can be found in publication PMID: 35346344, PMCID: PMC8962531

CHEO Genetics Diagnostic Laboratory, Children's Hospital of Eastern Ontario
Classification: Likely benign for Breast and/or ovarian cancer. Last evaluated: 2023-05-01. Review status: criteria provided, single submitter. Criteria: ACMG Guidelines, 2015. Collection method: clinical testing. Allele origin: germline.

Women's Health and Genetics/Laboratory Corporation of America, LabCorp
Classification: Benign. Last evaluated: 2022-11-24. Review status: criteria provided, single submitter. Criteria: LabCorp Variant Classification Summary - May 2015. Collection method: clinical testing. Allele origin: germline.
Comment: Variant summary: BRCA2 c.9257-8C>T alters a non-conserved nucleotide located close to a canonical splice site and therefore could affect mRNA splicing, leading to a significantly altered protein sequence. 4/4 computational tools predict no significant impact on normal splicing. However, these predictions have yet to be confirmed by functional studies. The variant allele was found at a frequency of 1.6e-05 in 244366 control chromosomes. The available data on variant occurrences in the general population are insufficient to allow any conclusion about variant significance. c.9257-8C>T has been reported in the literature as a VUS in individuals affected with Breast and/or Ovarian Cancer (example, Hansen_2009, Lu_2012). These report(s) do not provide unequivocal conclusions about association of the variant with Hereditary Breast And Ovarian Cancer Syndrome. At-least two co-occurrences with other pathogenic variant(s) have been observed at our laboratory (CHEK2 c.1100delC, p.Thr367MetfsX15; RAD51C c.397C>T, p.Gln133X), providing supporting evidence for a benign role. To our knowledge, no experimental evidence demonstrating an impact on protein function has been reported. Six clinical diagnostic laboratories have submitted clinical-significance assessments for this variant to ClinVar after 2014 without evidence for independent evaluation. All laboratories classified the variant as benign/likely benign. Based on the evidence outlined above, the variant was classified as benign.

Department of Pathology and Laboratory Medicine, Sinai Health System
Classification: Likely benign for Familial cancer of breast; Medulloblastoma; Familial prostate cancer; Wilms tumor 1; Fanconi anemia complementation group D1; Breast-ovarian cancer, familial, susceptibility to, 2; Glioma susceptibility 3; Pancreatic cancer, susceptibility to, 2. Last evaluated: 2022-04-19. Review status: criteria provided, single submitter. Criteria: ACMG Guidelines, 2015. Collection method: clinical testing. Allele origin: germline.

Mendelics
Classification: Likely benign for Breast-ovarian cancer, familial, susceptibility to, 2. Last evaluated: 2019-05-28. Review status: criteria provided, single submitter. Criteria: Mendelics Assertion Criteria 2017. Collection method: clinical testing. Allele origin: unknown.

Quest Diagnostics Nichols Institute San Juan Capistrano
Classification: Likely benign. Last evaluated: 2018-03-23. Review status: criteria provided, single submitter. Criteria: Quest Diagnostics criteria. Collection method: clinical testing. Allele origin: germline.

Color Diagnostics, LLC DBA Color Health
Classification: Likely benign for Hereditary cancer-predisposing syndrome. Last evaluated: 2016-05-18. Review status: criteria provided, single submitter. Criteria: ACMG Guidelines, 2015. Collection method: clinical testing. Allele origin: germline.

Ambry Genetics
Classification: Uncertain significance for Hereditary cancer-predisposing syndrome. Last evaluated: 2015-12-29. Review status: criteria provided, single submitter. Criteria: Ambry Variant Classification Scheme 2023. Collection method: clinical testing. Allele origin: germline.
Comment: The c.9257-8C>T intronic alteration consists of a C to T substitution 8 nucleotides before coding exon 24 in the BRCA2 gene. Based on insufficient or conflicting evidence, the clinical significance of this alteration remains unclear.

GeneDx
Classification: Benign. Last evaluated: 2015-09-12. Review status: criteria provided, single submitter. Criteria: GeneDx Variant Classification Process June 2021. Collection method: clinical testing. Allele origin: germline. Affected: yes.

Sharing Clinical Reports Project (SCRP)
Classification: Uncertain significance for Breast-ovarian cancer, familial 2. Last evaluated: 2012-02-10. Review status: no assertion criteria provided. Collection method: clinical testing. Allele origin: germline. Not counted in ClinVar's aggregate classification.

Literature cited by the submitters: PubMed 18500671 (cited by Mayo Clinic Laboratories, Mayo Clinic and Women's Health and Genetics/Laboratory Corporation of America, LabCorp); PubMed 22476429 (cited by Mayo Clinic Laboratories, Mayo Clinic and Women's Health and Genetics/Laboratory Corporation of America, LabCorp).